The following is an entry in ClinVar:

NM_005048.4(PTH2R):c.1362C>T (p.Thr454=)

Gene: PTH2R (parathyroid hormone 2 receptor; plus strand). Cytogenetic location: 2q34.
Variant type: single nucleotide variant.
Coding change: c.1362C>T on transcript NM_005048.4 (MANE Select); coding-DNA position 1362, C replaced by T.
Protein change: p.Thr454=; no amino-acid change (threonine 454 retained).
Molecular consequence: synonymous variant. On other transcripts: non-coding transcript variant (4).
Genome position (GRCh38, 1-based): chr2:208,493,368, C>T. VCF-style: chr2-208493368-C-T. GRCh37 (hg19) VCF-style: chr2-209358093-C-T.
Other names: c.1029C>T, p.Thr343= (NM_001309516.2, NM_001371905.1, NM_001371906.1); c.753C>T, p.Thr251= (NM_001371907.1).
Identifiers: ClinVar variation 3904996 (VCV003904996.10).

ClinVar aggregate classification (germline): Likely benign (1 of 4 stars; one submission).

gnomAD v4.1: 276 of 1,605,372 alleles (0.017%); highest among the groups gnomAD compares: Middle Eastern, 0.17%; 1 homozygote.

Submission:

CeGaT Center for Human Genetics Tuebingen
Classification: Likely benign. Last evaluated: 2025-06-01. Review status: criteria provided, single submitter. Criteria: CeGaT Center For Human Genetics Tuebingen Variant Classification Criteria Version 2. Collection method: clinical testing. Allele origin: germline. Affected: yes. Observed: 1 variant allele.
Comment: PTH2R: BP4, BP7